The following is an entry in ClinVar:

NM_001220.5(CAMK2B):c.767A>G (p.Asn256Ser)

Gene: CAMK2B (calcium/calmodulin dependent protein kinase II beta; minus strand). Cytogenetic location: 7p13.
Variant type: single nucleotide variant.
Coding change: c.767A>G on transcript NM_001220.5 (MANE Select); coding-DNA position 767, A replaced by G.
Protein change: p.Asn256Ser; replaces asparagine 256 with serine.
Molecular consequence: missense variant.
Genome position (GRCh38, 1-based): chr7:44,242,270, T>C on the plus strand (A>G on the coding strand, the complement: CAMK2B is on the minus strand). VCF-style: chr7-44242270-T-C. GRCh37 (hg19) VCF-style: chr7-44281869-T-C.
Other names: c.767A>G, p.Asn256Ser (NM_001293170.2, NM_172078.3, NM_172079.3 and 5 more transcripts); short protein forms N256S.
Identifiers: ClinVar variation 2430108 (VCV002430108.5), dbSNP rs1584086882, ClinGen allele CA367363905.

ClinVar aggregate classification (germline): Conflicting classifications of pathogenicity. Review status: criteria provided, conflicting classifications (1 of 4 stars). 2 submissions from 2 submitters: Uncertain significance (1); Likely benign (1). Last evaluated 2022-12-30.

Conditions:
Autism spectrum disorder. Also called: Autism spectrum disorders. Identifiers: MedGen C1510586, MeSH D000067877, MONDO:0005258.

Allele frequency attached by ClinVar (database versions not stated): gnomAD exomes below 0.00001.
gnomAD v4.1: 2 of 1,613,990 alleles (0.00012%); highest among the groups gnomAD compares: Non-Finnish European, 0.00017%; no homozygotes.

Submissions (2):

Labcorp Genetics (formerly Invitae), Labcorp
Classification: Uncertain significance. Last evaluated: 2022-12-30. Review status: criteria provided, single submitter. Criteria: Invitae Variant Classification Sherloc (09022015). Collection method: clinical testing. Allele origin: germline.
Comment: In summary, the available evidence is currently insufficient to determine the role of this variant in disease. Therefore, it has been classified as a Variant of Uncertain Significance. Algorithms developed to predict the effect of missense changes on protein structure and function (SIFT, PolyPhen-2, Align-GVGD) all suggest that this variant is likely to be disruptive. This variant has not been reported in the literature in individuals affected with CAMK2B-related conditions. This variant is not present in population databases (gnomAD no frequency). This sequence change replaces asparagine, which is neutral and polar, with serine, which is neutral and polar, at codon 256 of the CAMK2B protein (p.Asn256Ser).

Department of Genetics, Rouen University Hospital, Normandy Center for Genomic and Personalized Medicine
Classification: Likely benign for Autism spectrum disorder. Last evaluated: 2022-04-13. Review status: criteria provided, single submitter. Criteria: ACMG Guidelines, 2015. Collection method: clinical testing. Allele origin: paternal. Affected: yes.